The following is an entry in ClinVar:

NM_016058.5(TPRKB):c.41G>C (p.Arg14Thr)

Gene: TPRKB (TP53RK binding protein; minus strand). Cytogenetic location: 2p13.1.
Variant type: single nucleotide variant.
Coding change: c.41G>C on transcript NM_016058.5 (MANE Select); coding-DNA position 41, G replaced by C.
Protein change: p.Arg14Thr; replaces arginine 14 with threonine.
Molecular consequence: missense variant. On other transcripts: 5 prime UTR variant (1).
Genome position (GRCh38, 1-based): chr2:73,734,529, C>G on the plus strand (G>C on the coding strand, the complement: TPRKB is on the minus strand). VCF-style: chr2-73734529-C-G. GRCh37 (hg19) VCF-style: chr2-73961656-C-G.
Other names: c.41G>C (NM_016058.2); c.41G>C, p.Arg14Thr (NM_001330386.2, NM_001330387.2, NM_001330388.2 and 3 more transcripts); c.-135G>C (NM_001330390.2); short protein forms R14T.
Identifiers: ClinVar variation 2072969 (VCV002072969.5), dbSNP rs996672742, ClinGen allele CA50349227.

ClinVar aggregate classification (germline): Uncertain significance. Review status: criteria provided, multiple submitters, no conflicts (2 of 4 stars). 2 submissions from 2 submitters: Uncertain significance (2). Last evaluated 2025-08-26.

Allele frequency attached by ClinVar (database versions not stated): gnomAD exomes below 0.00001; TOPMed 0.00001.
gnomAD v4.1: 8 of 1,613,886 alleles (0.0005%); highest among the groups gnomAD compares: East Asian, 0.0022%; no homozygotes.

Submissions (2):

Ambry Genetics
Classification: Uncertain significance. Last evaluated: 2025-08-26. Review status: criteria provided, single submitter. Criteria: Ambry Variant Classification Scheme 2023. Collection method: clinical testing. Allele origin: germline.

Labcorp Genetics (formerly Invitae), Labcorp
Classification: Uncertain significance. Last evaluated: 2024-05-20. Review status: criteria provided, single submitter. Criteria: Invitae Variant Classification Sherloc (09022015). Collection method: clinical testing. Allele origin: germline.
Comment: This sequence change replaces arginine, which is basic and polar, with threonine, which is neutral and polar, at codon 14 of the TPRKB protein (p.Arg14Thr). This variant is not present in population databases (gnomAD no frequency). This variant has not been reported in the literature in individuals affected with TPRKB-related conditions. ClinVar contains an entry for this variant (Variation ID: 2072969). Algorithms developed to predict the effect of missense changes on protein structure and function output the following: SIFT: "Not Available"; PolyPhen-2: "Benign"; Align-GVGD: "Not Available". The threonine amino acid residue is found in multiple mammalian species, which suggests that this missense change does not adversely affect protein function. In summary, the available evidence is currently insufficient to determine the role of this variant in disease. Therefore, it has been classified as a Variant of Uncertain Significance.